The following is an entry in ClinVar:

ClinVar aggregate classification (germline): Pathogenic. Review status: criteria provided, multiple submitters, no conflicts (2 of 4 stars). 3 submissions from 3 submitters: Pathogenic (3). Last evaluated 2025-09-29.

Conditions:
Hereditary cancer-predisposing syndrome. Also called: Tumor predisposition; Neoplastic Syndromes, Hereditary; Hereditary Cancer Syndrome; Hereditary neoplastic syndrome. Identifiers: Orphanet 140162, MedGen C0027672, MeSH D009386, MONDO:0015356.
Fanconi anemia complementation group J. Also called: BRIP1-Related Fanconi Anemia. Identifiers: Orphanet 84, MedGen C1836860, MONDO:0012187, OMIM 609054.
Familial cancer of breast. Also called: BREAST CANCER, FAMILIAL; Hereditary breast cancer; hereditary breast carcinoma. Identifiers: Orphanet 227535, MedGen C0346153, MONDO:0016419, OMIM 114480. Disease mechanism: loss of function.

Submissions (3):

Labcorp Genetics (formerly Invitae), Labcorp
Classification: Pathogenic for Familial cancer of breast; Fanconi anemia complementation group J. Last evaluated: 2025-09-29. Review status: criteria provided, single submitter. Criteria: Invitae Variant Classification Sherloc (09022015). Collection method: clinical testing. Allele origin: germline.
Comment: This sequence change creates a premature translational stop signal (p.Ala551Lysfs*41) in the BRIP1 gene. It is expected to result in an absent or disrupted protein product. Loss-of-function variants in BRIP1 are known to be pathogenic (PMID: 16116423, 17033622, 21964575). This variant is not present in population databases (gnomAD no frequency). This variant has not been reported in the literature in individuals affected with BRIP1-related conditions. ClinVar contains an entry for this variant (Variation ID: 479418). For these reasons, this variant has been classified as Pathogenic.

Ambry Genetics
Classification: Pathogenic for Hereditary cancer-predisposing syndrome. Last evaluated: 2025-01-02. Review status: criteria provided, single submitter. Criteria: Ambry Variant Classification Scheme 2023. Collection method: clinical testing. Allele origin: germline.
Comment: The c.1645_1649dupAAAAT pathogenic mutation, located in coding exon 11 of the BRIP1 gene, results from a duplication of AAAAT at nucleotide position 1645, causing a translational frameshift with a predicted alternate stop codon (p.A551Kfs*41). This alteration is expected to result in loss of function by premature protein truncation or nonsense-mediated mRNA decay. As such, this alteration is interpreted as a disease-causing mutation.

Myriad Genetics, Inc.
Classification: Pathogenic for Familial cancer of breast. Last evaluated: 2023-06-02. Review status: criteria provided, single submitter. Criteria: Myriad Autosomal Dominant, Autosomal Recessive and X-Linked Classification Criteria (2023). Collection method: clinical testing. Allele origin: unknown.
Comment: This variant is considered pathogenic. This variant creates a frameshift predicted to result in premature protein truncation.

Literature cited by the submitters: PubMed 16116423 (cited by Labcorp Genetics (formerly Invitae), Labcorp); PubMed 17033622 (cited by Labcorp Genetics (formerly Invitae), Labcorp); PubMed 21964575 (cited by Labcorp Genetics (formerly Invitae), Labcorp).

NM_032043.3(BRIP1):c.1645_1649dup (p.Ala551fs)

Gene: BRIP1 (BRCA1 interacting DNA helicase 1; minus strand). Cytogenetic location: 17q23.2.
Variant type: Duplication.
Coding change: c.1645_1649dup on transcript NM_032043.3 (MANE Select); coding-DNA positions 1645 to 1649, 5 bases duplicated (AAAAT; older notation c.1645_1649dupAAAAT).
Protein change: p.Ala551fs; shifts the reading frame from alanine 551.
Molecular consequence: frameshift variant.
Genome position (GRCh38, 1-based): chr17:61,780,985-61,780,989, ATTTT duplicated on the plus strand (AAAAT on the coding strand, the reverse complement: BRIP1 is on the minus strand); duplicating any 5 consecutive bases within chr17:61,780,985-61,780,991 gives the same sequence; the c. name uses the placement nearest the transcript's 3' end. VCF-style (leftmost placement, unchanged base first): chr17-61780984-A-AATTTT. GRCh37 (hg19) VCF-style: chr17-59858345-A-AATTTT.
Other names: c.1645_1649dupAAAAT (NM_032043.2); short protein forms A551fs.
Identifiers: ClinVar variation 479418 (VCV000479418.14), dbSNP rs1555602638, ClinGen allele CA658658673.